The following is an entry in ClinVar:

NM_024334.3(TMEM43):c.1123T>C (p.Trp375Arg)

Gene: TMEM43 (transmembrane protein 43; plus strand). Cytogenetic location: 3p25.1.
Variant type: single nucleotide variant.
Coding change: c.1123T>C on transcript NM_024334.3 (MANE Select); coding-DNA position 1123, T replaced by C.
Protein change: p.Trp375Arg; replaces tryptophan 375 with arginine.
Molecular consequence: missense variant.
Genome position (GRCh38, 1-based): chr3:14,141,715, T>C. VCF-style: chr3-14141715-T-C. GRCh37 (hg19) VCF-style: chr3-14183215-T-C.
Other names: short protein forms W375R.
Identifiers: ClinVar variation 915706 (VCV000915706.4), dbSNP rs1695249790, ClinGen allele CA351536575.

ClinVar aggregate classification (germline): Uncertain significance. Review status: criteria provided, multiple submitters, no conflicts (2 of 4 stars). 3 submissions from 3 submitters: Uncertain significance (3). Last evaluated 2025-12-03.

Conditions:
Arrhythmogenic right ventricular dysplasia 5. Also called: Arrhythmogenic Right Ventricular Dysplasia/Cardiomyopathy 5; ARRHYTHMOGENIC RIGHT VENTRICULAR DYSPLASIA, FAMILIAL, 5. Identifiers: MedGen C1858379, MONDO:0011459, OMIM 604400.
Cardiomyopathy (CMYO). Also called: Cardiomyopathies. Identifiers: Orphanet 167848, MedGen C0878544, MONDO:0004994, HP:0001638. Inheritance: Various modes of inheritance.

Allele frequency attached by ClinVar (database versions not stated): gnomAD exomes below 0.00001.
gnomAD v4.1: 3 of 1,614,194 alleles (0.00019%); highest among the groups gnomAD compares: Non-Finnish European, 0.00017%; no homozygotes.

Submissions (3):

Labcorp Genetics (formerly Invitae), Labcorp
Classification: Uncertain significance for Arrhythmogenic right ventricular dysplasia 5. Last evaluated: 2025-12-03. Review status: criteria provided, single submitter. Criteria: Invitae Variant Classification Sherloc (09022015). Collection method: clinical testing. Allele origin: germline.
Comment: This sequence change replaces tryptophan, which is neutral and slightly polar, with arginine, which is basic and polar, at codon 375 of the TMEM43 protein (p.Trp375Arg). This variant is not present in population databases (gnomAD no frequency). This variant has not been reported in the literature in individuals affected with TMEM43-related conditions. ClinVar contains an entry for this variant (Variation ID: 915706). Invitae Evidence Modeling of protein sequence and biophysical properties (such as structural, functional, and spatial information, amino acid conservation, physicochemical variation, residue mobility, and thermodynamic stability) indicates that this missense variant is not expected to disrupt TMEM43 protein function with a negative predictive value of 80%. In summary, the available evidence is currently insufficient to determine the role of this variant in disease. Therefore, it has been classified as a Variant of Uncertain Significance.

GeneDx
Classification: Uncertain significance. Last evaluated: 2024-08-14. Review status: criteria provided, single submitter. Criteria: GeneDx Variant Classification Process June 2021. Collection method: clinical testing. Allele origin: germline. Affected: yes.
Comment: Has not been previously published as pathogenic or benign to our knowledge; Not observed at significant frequency in large population cohorts (gnomAD); In silico analysis indicates that this missense variant does not alter protein structure/function

CHEO Genetics Diagnostic Laboratory, Children's Hospital of Eastern Ontario
Classification: Uncertain significance for Cardiomyopathy. Last evaluated: 2018-10-18. Review status: criteria provided, single submitter. Criteria: ACMG Guidelines, 2015. Collection method: clinical testing. Allele origin: germline.